The following is an entry in ClinVar:

ClinVar aggregate classification (germline): Likely pathogenic (1 of 4 stars; one submission).

Conditions:
Dilated cardiomyopathy 1G (CMD1G). Identifiers: Orphanet 154, MedGen C1858763, MONDO:0011400, OMIM 604145.
Autosomal recessive limb-girdle muscular dystrophy type 2J (LGMDR10). Also called: Limb-girdle muscular dystrophy, type 2J; MUSCULAR DYSTROPHY, LIMB-GIRDLE, AUTOSOMAL RECESSIVE 10. Identifiers: Orphanet 140922, MedGen C1837342, MONDO:0012127, OMIM 608807.

Allele frequency attached by ClinVar (database versions not stated): gnomAD exomes below 0.00001.
gnomAD v4.1: 1 of 1,613,974 alleles (0.000062%); highest among the groups gnomAD compares: Non-Finnish European, 0.000085%; no homozygotes.

Submission:

Labcorp Genetics (formerly Invitae), Labcorp
Classification: Likely pathogenic for Dilated cardiomyopathy 1G; Autosomal recessive limb-girdle muscular dystrophy type 2J. Last evaluated: 2023-12-06. Review status: criteria provided, single submitter. Criteria: Invitae Variant Classification Sherloc (09022015). Collection method: clinical testing. Allele origin: germline.
Comment: This sequence change creates a premature translational stop signal (p.Glu34485*) in the TTN gene. While this is not anticipated to result in nonsense mediated decay, it is expected to create a truncated TTN protein. This variant is not present in population databases (gnomAD no frequency). This variant has not been reported in the literature in individuals affected with TTN-related conditions. ClinVar contains an entry for this variant (Variation ID: 654439). This variant is located in the M band of TTN (PMID: 25589632). Truncating variants in this region have been previously reported in individuals affected with autosomal recessive myopathy and muscular dystrophy (PMID: 18948003, 23975875, 24395473). Truncating variants in this region have also been identified in individuals affected with autosomal dominant dilated cardiomyopathy and/or cardio-related conditions (PMID: 27869827, 32964742). In summary, the currently available evidence indicates that the variant is pathogenic, but additional data are needed to prove that conclusively. Therefore, this variant has been classified as Likely Pathogenic.

Literature cited by the submitters: PubMed 25589632; PubMed 18948003; PubMed 23975875; PubMed 24395473; PubMed 27869827; PubMed 32964742.

NM_001267550.2(TTN):c.103453G>T (p.Glu34485Ter)

Genes: TTN (titin; minus strand), TTN-AS1 (TTN antisense RNA 1; plus strand). Cytogenetic location: 2q31.2.
Variant type: single nucleotide variant.
Coding change: c.103453G>T on transcript NM_001267550.2 (MANE Select); coding-DNA position 103453, G replaced by T.
Protein change: p.Glu34485Ter; replaces glutamic acid 34485 with a stop codon.
Molecular consequence: nonsense.
Genome position (GRCh38, 1-based): chr2:178,533,162, C>A on the plus strand (G>T on the coding strand, the complement: TTN is on the minus strand). VCF-style: chr2-178533162-C-A. GRCh37 (hg19) VCF-style: chr2-179397889-C-A.
Other names: c.98530G>T, p.Glu32844Ter (NM_001256850.1); c.76258G>T, p.Glu25420Ter (NM_003319.4); c.95749G>T, p.Glu31917Ter (NM_133378.4); c.76633G>T, p.Glu25545Ter (NM_133432.3); c.76834G>T, p.Glu25612Ter (NM_133437.4); short protein forms E25545*, E34485*, E25612*, E31917*, E25420*, E32844*.
Identifiers: ClinVar variation 654439 (VCV000654439.9), dbSNP rs1575259969, ClinGen allele CA349414238.
Genomic context (GRCh38, chr2:178,533,162, plus strand): 5'-CTCTCAGAGCCTCTTTAGCTACCTGTGTCAGTGGTACACTTTCAGTTCCAGAAAGAATTT[C>A]AGCCATTCTGAGGGTTTTGTCAATTTGTTTTTGTACGTGTCGCTCATGCTCCTCCTTACT-3'